The following is an entry in ClinVar:

ClinVar aggregate classification (germline): Uncertain significance (1 of 4 stars; one submission).

gnomAD v4.1: 3 of 1,614,038 alleles (0.00019%); highest among the groups gnomAD compares: Non-Finnish European, 0.00025%; no homozygotes.

Submission:

Ambry Genetics
Classification: Uncertain significance. Last evaluated: 2025-11-19. Review status: criteria provided, single submitter. Criteria: Ambry Variant Classification Scheme 2023. Collection method: clinical testing. Allele origin: germline.
Comment: The c.8846G>A (p.C2949Y) alteration is located in exon 38 (coding exon 38) of the SVEP1 gene. This alteration results from a G to A substitution at nucleotide position 8846, causing the cysteine (C) at amino acid position 2949 to be replaced by a tyrosine (Y). Based on data from gnomAD, the A allele has an overall frequency of <0.001% (1/249080) total alleles studied. The highest observed frequency was 0.001% (1/112862) of European (non-Finnish) alleles. Based on insufficient or conflicting evidence, the clinical significance of this alteration remains unclear.

NM_153366.4(SVEP1):c.8846G>A (p.Cys2949Tyr)

Gene: SVEP1 (sushi, von Willebrand factor type A, EGF and pentraxin domain containing 1; minus strand). Cytogenetic location: 9q31.3.
Variant type: single nucleotide variant.
Coding change: c.8846G>A on transcript NM_153366.4 (MANE Select); coding-DNA position 8846, G replaced by A.
Protein change: p.Cys2949Tyr; replaces cysteine 2949 with tyrosine.
Molecular consequence: missense variant.
Genome position (GRCh38, 1-based): chr9:110,406,754, C>T on the plus strand (G>A on the coding strand, the complement: SVEP1 is on the minus strand). VCF-style: chr9-110406754-C-T. GRCh37 (hg19) VCF-style: chr9-113169034-C-T.
Other names: short protein forms C2949Y.
Identifiers: ClinVar variation 4591496 (VCV004591496.1).